The following is an entry in ClinVar:

NM_004369.4(COL6A3):c.4790G>C (p.Arg1597Pro)

Gene: COL6A3 (collagen type VI alpha 3 chain; minus strand). Cytogenetic location: 2q37.3.
Variant type: single nucleotide variant.
Coding change: c.4790G>C on transcript NM_004369.4 (MANE Select); coding-DNA position 4790, G replaced by C.
Protein change: p.Arg1597Pro; replaces arginine 1597 with proline.
Molecular consequence: missense variant.
Genome position (GRCh38, 1-based): chr2:237,368,673, C>G on the plus strand (G>C on the coding strand, the complement: COL6A3 is on the minus strand). VCF-style: chr2-237368673-C-G. GRCh37 (hg19) VCF-style: chr2-238277316-C-G.
Other names: c.2969G>C, p.Arg990Pro (NM_057166.5); c.4172G>C, p.Arg1391Pro (NM_057167.4); short protein forms R990P, R1391P, R1597P.
Identifiers: ClinVar variation 5007948 (VCV005007948.1).

ClinVar aggregate classification (germline): Uncertain significance (1 of 4 stars; one submission).

Submission:

GeneDx
Classification: Uncertain significance. Last evaluated: 2026-03-04. Review status: criteria provided, single submitter. Criteria: GeneDx Variant Classification Process June 2021. Collection method: clinical testing. Allele origin: germline.
Comment: Not observed at significant frequency in large population cohorts (gnomAD); In silico analysis supports that this missense variant has a deleterious effect on protein structure/function; Has not been previously published as pathogenic or benign to our knowledge